The following is an entry in ClinVar:

ClinVar aggregate classification (germline): Uncertain significance (1 of 4 stars; one submission).

Submission:

Labcorp Genetics (formerly Invitae), Labcorp
Classification: Uncertain significance. Last evaluated: 2022-08-23. Review status: criteria provided, single submitter. Criteria: Invitae Variant Classification Sherloc (09022015). Collection method: clinical testing. Allele origin: germline.
Comment: In summary, the available evidence is currently insufficient to determine the role of this variant in disease. Therefore, it has been classified as a Variant of Uncertain Significance. Algorithms developed to predict the effect of missense changes on protein structure and function are either unavailable or do not agree on the potential impact of this missense change (SIFT: "Not Available"; PolyPhen-2: "Probably Damaging"; Align-GVGD: "Not Available"). ClinVar contains an entry for this variant (Variation ID: 1413085). This variant has not been reported in the literature in individuals affected with P3H2-related conditions. Information on the frequency of this variant in the gnomAD database is not available, as this variant may be reported differently in the database. This sequence change replaces alanine, which is neutral and non-polar, with valine, which is neutral and non-polar, at codon 167 of the P3H2 protein (p.Ala167Val).

NM_018192.4(P3H2):c.500_501delinsTT (p.Ala167Val)

Gene: P3H2 (prolyl 3-hydroxylase 2; minus strand). Cytogenetic location: 3q28.
Variant type: Indel.
Coding change: c.500_501delinsTT on transcript NM_018192.4 (MANE Select); coding-DNA positions 500 to 501, CA replaced by TT.
Protein change: p.Ala167Val; replaces alanine 167 with valine.
Molecular consequence: missense variant. On other transcripts: 5 prime UTR variant (1).
Genome position (GRCh38, 1-based): chr3:189,995,422-189,995,423, TG replaced by AA on the plus strand (CA replaced by TT on the coding strand, the reverse complement: P3H2 is on the minus strand). VCF-style: chr3-189995422-TG-AA. GRCh37 (hg19) VCF-style: chr3-189713211-TG-AA.
Other names: c.-44_-43delinsTT (NM_001134418.2); short protein forms A167V.
Identifiers: ClinVar variation 1413085 (VCV001413085.6), dbSNP rs2108924844, ClinGen allele CA2573136837.
Genomic context (GRCh38, chr3:189,995,422, plus strand): 5'-GTTCTGCTGCATTTCCATGTGCTCAGGGTTAGCCACGAAAAATGTGTGAGCTGCTTCCAC[TG>AA]CTTTTTCGAGCTGGTTAAGCTAAAGAGAAAAAAAAATGACCAAAATGAAGGCAAATATTT-3'
Protein context (NP_060662.2, residues 157-177): AYIKLNQLEK[Ala167Val]VEAAHTFFVA